The following is an entry in ClinVar:

ClinVar aggregate classification (germline): Benign/Likely benign. Review status: criteria provided, multiple submitters, no conflicts (2 of 4 stars). 3 submissions from 3 submitters: Benign (1); Likely benign (2). Last evaluated 2026-01-13.

Conditions:
Hereditary cancer-predisposing syndrome. Also called: Neoplastic Syndromes, Hereditary; Hereditary neoplastic syndrome; Tumor predisposition; Hereditary Cancer Syndrome. Identifiers: Orphanet 140162, MedGen C0027672, MeSH D009386, MONDO:0015356.
Tuberous sclerosis 2 (TSC2). Identifiers: Orphanet 805, MedGen C1860707, MONDO:0013199, OMIM 613254.

gnomAD v4.1: 1 of 1,613,444 alleles (0.000062%); no homozygotes.

Submissions (3):

Labcorp Genetics (formerly Invitae), Labcorp
Classification: Likely benign for Tuberous sclerosis 2. Last evaluated: 2026-01-13. Review status: criteria provided, single submitter. Criteria: Invitae Variant Classification Sherloc (09022015). Collection method: clinical testing. Allele origin: germline.

Myriad Genetics, Inc.
Classification: Benign for Tuberous sclerosis 2. Last evaluated: 2025-05-16. Review status: criteria provided, single submitter. Criteria: Myriad Autosomal Dominant, Autosomal Recessive and X-Linked Classification Criteria (2023). Collection method: clinical testing. Allele origin: unknown.
Comment: This variant is considered benign. This variant is a silent/synonymous amino acid change and it is not expected to impact splicing.

Ambry Genetics
Classification: Likely benign for Hereditary cancer-predisposing syndrome. Last evaluated: 2022-10-12. Review status: criteria provided, single submitter. Criteria: Ambry Variant Classification Scheme 2023. Collection method: clinical testing. Allele origin: germline.

NM_000548.5(TSC2):c.1935C>T (p.Val645=)

Gene: TSC2 (TSC complex subunit 2; plus strand). Cytogenetic location: 16p13.3.
Variant type: single nucleotide variant.
Coding change: c.1935C>T on transcript NM_000548.5 (MANE Select); coding-DNA position 1935, C replaced by T.
Protein change: p.Val645=; no amino-acid change (valine 645 retained).
Molecular consequence: synonymous variant.
Genome position (GRCh38, 1-based): chr16:2,071,605, C>T. VCF-style: chr16-2071605-C-T. GRCh37 (hg19) VCF-style: chr16-2121606-C-T.
Other names: c.1935C>T, p.Val645= (NM_001077183.3, NM_001114382.3, NM_001363528.2 and 3 more transcripts); c.1824C>T, p.Val608= (NM_001318827.2); c.1788C>T, p.Val596= (NM_001318829.2); c.1335C>T, p.Val445= (NM_001318831.2); c.1968C>T, p.Val656= (NM_001318832.2).
Identifiers: ClinVar variation 767340 (VCV000767340.11), dbSNP rs1596342693, ClinGen allele CA492950361.